The following is an entry in ClinVar:

ClinVar aggregate classification (germline): Uncertain significance (1 of 4 stars; one submission).

Conditions:
Mitochondrial DNA depletion syndrome 13. Also called: FBXL4-Related Encephalomyopathic Mitochondrial DNA Depletion Syndrome; Mitochondrial DNA depletion syndrome 13 (encephalomyopathic type). Identifiers: Orphanet 369897, MedGen C3809592, MONDO:0014198, OMIM 615471.

Allele frequency attached by ClinVar (database versions not stated): gnomAD exomes below 0.00001; ExAC 0.00001.
gnomAD v4.1: 1 of 1,607,876 alleles (0.000062%); highest among the groups gnomAD compares: African/African-American, 0.0013%; no homozygotes.

Submission:

Wong Mito Lab, Molecular and Human Genetics, Baylor College of Medicine
Classification: Uncertain significance for Mitochondrial DNA depletion syndrome 13. Last evaluated: 2017-08-10. Review status: criteria provided, single submitter. Criteria: ACMG Guidelines, 2015. Collection method: reference population. Allele origin: germline.
Comment: The NM_012160.4:c.-15A>G (NP_036292.2:p.=) [GRCH38: NC_000006.12:g.98927003T>C] variant in FBXL4 gene is interpretated to be a Uncertain Significance - Insufficient Evidence based on ACMG guidelines (PMID: 25741868). This variant meets one or more of the following evidence codes reported in the ACMG-guideline. PM2:This variant is absent in key population databases. Based on this evidence code ClinGen Pathogenicity Calculator (PMID:28081714) suggested that the variant is Uncertain Significance - Insufficient Evidence.

NM_001278716.2(FBXL4):c.-15A>G

Gene: FBXL4 (F-box and leucine rich repeat protein 4; minus strand). Cytogenetic location: 6q16.2.
Variant type: single nucleotide variant.
Coding change: c.-15A>G on transcript NM_001278716.2 (MANE Select); 15 bases upstream of the start codon, A replaced by G.
Molecular consequence: 5 prime UTR variant. On other transcripts: non-coding transcript variant (2).
Genome position (GRCh38, 1-based): chr6:98,927,003, T>C on the plus strand (A>G on the coding strand, the complement: FBXL4 is on the minus strand). VCF-style: chr6-98927003-T-C. GRCh37 (hg19) VCF-style: chr6-99374879-T-C.
Other names: c.-15A>G (NM_012160.5).
Identifiers: ClinVar variation 437504 (VCV000437504.1), dbSNP rs767080612, ClinGen allele CA3933773.